The following is an entry in ClinVar:

NM_170606.3(KMT2C):c.3533G>T (p.Cys1178Phe)

Gene: KMT2C (lysine methyltransferase 2C; minus strand). Cytogenetic location: 7q36.1.
Variant type: single nucleotide variant.
Coding change: c.3533G>T on transcript NM_170606.3 (MANE Select); coding-DNA position 3533, G replaced by T.
Protein change: p.Cys1178Phe; replaces cysteine 1178 with phenylalanine.
Molecular consequence: missense variant.
Genome position (GRCh38, 1-based): chr7:152,220,702, C>A on the plus strand (G>T on the coding strand, the complement: KMT2C is on the minus strand). VCF-style: chr7-152220702-C-A. GRCh37 (hg19) VCF-style: chr7-151917787-C-A.
Other names: short protein forms C1178F.
Identifiers: ClinVar variation 3391639 (VCV003391639.1).

ClinVar aggregate classification (germline): Uncertain significance (1 of 4 stars; one submission).

gnomAD v4.1: 1 of 1,610,764 alleles (0.000062%); highest among the groups gnomAD compares: South Asian, 0.0011%; no homozygotes.

Submission:

GeneDx
Classification: Uncertain significance. Last evaluated: 2024-06-20. Review status: criteria provided, single submitter. Criteria: GeneDx Variant Classification Process June 2021. Collection method: clinical testing. Allele origin: germline. Affected: yes.
Comment: Not observed at significant frequency in large population cohorts (gnomAD); In silico analysis supports that this missense variant has a deleterious effect on protein structure/function; Has not been previously published as pathogenic or benign to our knowledge; In silico analysis suggests this variant may impact gene splicing. In the absence of RNA/functional studies, the actual effect of this sequence change is unknown.